The following is an entry in ClinVar:

ClinVar aggregate classification (germline): Likely benign (1 of 4 stars; one submission).

gnomAD v4.1: 7,238 of 1,533,600 alleles (0.47%); highest among the groups gnomAD compares: Non-Finnish European, 0.56%; 26 homozygotes.

Submission:

CeGaT Center for Human Genetics Tuebingen
Classification: Likely benign. Last evaluated: 2024-10-01. Review status: criteria provided, single submitter. Criteria: CeGaT Center For Human Genetics Tuebingen Variant Classification Criteria Version 2. Collection method: clinical testing. Allele origin: germline. Affected: yes. Observed: 1 variant allele.
Comment: TMEM102: BP4, BP7, BS2

NM_178518.3(TMEM102):c.1422C>T (p.Ala474=)

Gene: TMEM102 (transmembrane protein 102; plus strand). Cytogenetic location: 17p13.1.
Variant type: single nucleotide variant.
Coding change: c.1422C>T on transcript NM_178518.3 (MANE Select); coding-DNA position 1422, C replaced by T.
Protein change: p.Ala474=; no amino-acid change (alanine 474 retained).
Molecular consequence: synonymous variant.
Genome position (GRCh38, 1-based): chr17:7,437,401, C>T. VCF-style: chr17-7437401-C-T. GRCh37 (hg19) VCF-style: chr17-7340720-C-T.
Other names: c.1422C>T, p.Ala474= (NM_001320444.1).
Identifiers: ClinVar variation 3388211 (VCV003388211.14).